The following is an entry in ClinVar:

ClinVar aggregate classification (germline): Uncertain significance (1 of 4 stars; one submission).

Conditions:
Charcot-Marie-Tooth disease axonal type 2P. Also called: CHARCOT-MARIE-TOOTH NEUROPATHY, TYPE 2P; Charcot-Marie-Tooth Neuropathy Type 2G; CHARCOT-MARIE-TOOTH DISEASE, AXONAL, TYPE 2G; CMT 2G. Identifiers: Orphanet 300319, Orphanet 99941, MedGen C3280797, MONDO:0013753, OMIM 614436.

Submission:

Labcorp Genetics (formerly Invitae), Labcorp
Classification: Uncertain significance for Charcot-Marie-Tooth disease axonal type 2P. Last evaluated: 2024-05-08. Review status: criteria provided, single submitter. Criteria: Invitae Variant Classification Sherloc (09022015). Collection method: clinical testing. Allele origin: germline.
Comment: This sequence change replaces leucine, which is neutral and non-polar, with phenylalanine, which is neutral and non-polar, at codon 296 of the LRSAM1 protein (p.Leu296Phe). This variant is not present in population databases (gnomAD no frequency). This variant has not been reported in the literature in individuals affected with LRSAM1-related conditions. Advanced modeling of protein sequence and biophysical properties (such as structural, functional, and spatial information, amino acid conservation, physicochemical variation, residue mobility, and thermodynamic stability) performed at Invitae indicates that this missense variant is expected to disrupt LRSAM1 protein function with a positive predictive value of 80%. In summary, the available evidence is currently insufficient to determine the role of this variant in disease. Therefore, it has been classified as a Variant of Uncertain Significance.

NM_001005373.4(LRSAM1):c.886C>T (p.Leu296Phe)

Gene: LRSAM1 (leucine rich repeat and sterile alpha motif containing 1; plus strand). Cytogenetic location: 9q33.3.
Variant type: single nucleotide variant.
Coding change: c.886C>T on transcript NM_001005373.4 (MANE Select); coding-DNA position 886, C replaced by T.
Protein change: p.Leu296Phe; replaces leucine 296 with phenylalanine.
Molecular consequence: missense variant. On other transcripts: non-coding transcript variant (2).
Genome position (GRCh38, 1-based): chr9:127,479,488, C>T. VCF-style: chr9-127479488-C-T. GRCh37 (hg19) VCF-style: chr9-130241767-C-T.
Other names: c.886C>T, p.Leu296Phe (NM_001005374.4, NM_001190723.3, NM_001384142.1 and 2 more transcripts); c.97C>T, p.Leu33Phe (NM_001384144.1); short protein forms L296F, L33F.
Identifiers: ClinVar variation 3603669 (VCV003603669.2).